The following is an entry in ClinVar:

NM_000202.8(IDS):c.1184G>C (p.Arg395Thr)

Gene: IDS (iduronate 2-sulfatase; minus strand). Cytogenetic location: Xq28.
Variant type: single nucleotide variant.
Coding change: c.1184G>C on transcript NM_000202.8 (MANE Select); coding-DNA position 1184, G replaced by C.
Protein change: p.Arg395Thr; replaces arginine 395 with threonine.
Molecular consequence: missense variant.
Genome position (GRCh38, 1-based): chrX:149,483,215, C>G on the plus strand (G>C on the coding strand, the complement: IDS is on the minus strand). VCF-style: chrX-149483215-C-G. GRCh37 (hg19) VCF-style: chrX-148564746-C-G.
Other names: c.914G>C, p.Arg305Thr (NM_001166550.4); short protein forms R305T, R395T.
Identifiers: ClinVar variation 1008613 (VCV001008613.7), dbSNP rs782475200, ClinGen allele CA10537477.

ClinVar aggregate classification (germline): Uncertain significance. Review status: criteria provided, single submitter (1 of 4 stars). 2 submissions from 2 submitters: Uncertain significance (1). 1 of the submissions does not count toward it. Last evaluated 2021-08-27.

Conditions:
Mucopolysaccharidosis, MPS-III-A (MPS3A). Also called: mucopolysaccharidosis type 3A; MPS IIIA (Sanfilippo Syndrome Type A); HEPARAN SULFATE SULFATASE DEFICIENCY; MUCOPOLYSACCHARIDOSIS, TYPE IIIA, ATTENUATED; Mucopolysaccharidosis type IIIA (Sanfilippo A); Mucopolysaccharidosis, type IIIA. Identifiers: Orphanet 581, Orphanet 79269, MedGen C0086647, MONDO:0009655, OMIM 252900.
Mucopolysaccharidosis, MPS-II (MPS2). Also called: IDURONATE 2-SULFATASE DEFICIENCY; Mucopolysaccharidosis Type II; Mucopolysaccharidosis with skin involvement; IDS deficiency; Sulfoiduronate sulfatase deficiency; SIDS deficiency. Identifiers: Orphanet 580, Orphanet 79388, MedGen C0026705, MONDO:0010674, OMIM 309900.

Allele frequency attached by ClinVar (database versions not stated): ExAC below 0.00001; gnomAD 0.00001; gnomAD exomes 0.00004; TOPMed 0.00002.
gnomAD v4.1: 43 of 1,201,668 alleles (0.0036%); highest among the groups gnomAD compares: Non-Finnish European, 0.0046%; no homozygotes.

Submissions (2):

Labcorp Genetics (formerly Invitae), Labcorp
Classification: Uncertain significance for Mucopolysaccharidosis, MPS-II. Last evaluated: 2021-08-27. Review status: criteria provided, single submitter. Criteria: Invitae Variant Classification Sherloc (09022015). Collection method: clinical testing. Allele origin: germline.
Comment: This sequence change replaces arginine with threonine at codon 395 of the IDS protein (p.Arg395Thr). The arginine residue is weakly conserved and there is a moderate physicochemical difference between arginine and threonine. The frequency data for this variant in the population databases is considered unreliable, as metrics indicate poor data quality at this position in the ExAC database. This variant has not been reported in the literature in individuals affected with IDS-related conditions. Advanced modeling of protein sequence and biophysical properties (such as structural, functional, and spatial information, amino acid conservation, physicochemical variation, residue mobility, and thermodynamic stability) performed at Invitae indicates that this missense variant is expected to disrupt IDS protein function. In summary, the available evidence is currently insufficient to determine the role of this variant in disease. Therefore, it has been classified as a Variant of Uncertain Significance.

Natera, Inc.
Classification: Uncertain significance for Mucopolysaccharidosis type IIIA. Last evaluated: 2020-03-10. Review status: no assertion criteria provided. Collection method: clinical testing. Allele origin: germline. Not counted in ClinVar's aggregate classification.